The following is an entry in ClinVar:

ClinVar aggregate classification (germline): Conflicting classifications of pathogenicity. Review status: criteria provided, conflicting classifications (1 of 4 stars). 2 submissions from 2 submitters: Uncertain significance (1); Likely benign (1). Last evaluated 2019-05-23.

Allele frequency attached by ClinVar (database versions not stated): gnomAD exomes below 0.00001.
gnomAD v4.1: 1 of 1,613,538 alleles (0.000062%); highest among the groups gnomAD compares: Non-Finnish European, 0.000085%; no homozygotes.

Submissions (2):

Revvity Omics, Revvity
Classification: Uncertain significance. Last evaluated: 2019-05-23. Review status: criteria provided, single submitter. Criteria: ACMG Guidelines, 2015. Collection method: clinical testing. Allele origin: germline.

GeneDx
Classification: Likely benign. Last evaluated: 2018-04-19. Review status: criteria provided, single submitter. Criteria: GeneDx Variant Classification (06012015). Collection method: clinical testing. Allele origin: germline. Affected: yes.
Comment: This variant is considered likely benign or benign based on one or more of the following criteria: it is a conservative change, it occurs at a poorly conserved position in the protein, it is predicted to be benign by multiple in silico algorithms, and/or has population frequency not consistent with disease.

NM_001267550.2(TTN):c.59442A>G (p.Pro19814=)

Genes: TTN (titin; minus strand), TTN-AS1 (TTN antisense RNA 1; plus strand), LOC126806424 (CDK7 strongly-dependent group 2 enhancer GRCh37_chr2:179456337-179457536; plus strand). Cytogenetic location: 2q31.2.
Variant type: single nucleotide variant.
Coding change: c.59442A>G on transcript NM_001267550.2 (MANE Select); coding-DNA position 59442, A replaced by G.
Protein change: p.Pro19814=; no amino-acid change (proline 19814 retained).
Molecular consequence: synonymous variant.
Genome position (GRCh38, 1-based): chr2:178,592,563, T>C on the plus strand (A>G on the coding strand, the complement: TTN is on the minus strand). VCF-style: chr2-178592563-T-C. GRCh37 (hg19) VCF-style: chr2-179457290-T-C.
Other names: c.54519A>G, p.Pro18173= (NM_001256850.1); c.32247A>G, p.Pro10749= (NM_003319.4); c.51738A>G, p.Pro17246= (NM_133378.4); c.32622A>G, p.Pro10874= (NM_133432.3); c.32823A>G, p.Pro10941= (NM_133437.4).
Identifiers: ClinVar variation 682337 (VCV000682337.4), dbSNP rs1304742332, ClinGen allele CA430267167.
Genomic context (GRCh38, chr2:178,592,563, plus strand): 5'-ATCAATTCTTGCTTTAGTTGGAGCATCTCTGTCTTCTTTTTTCCAAGTTACTTTTGGGAA[T>C]GGCACTCCTTTGATGATGGCACTAAGTCTTAGAGTATCACCAACTTTAATGTGTTGTTCT-3'
Protein context (NP_001254479.2, residues 19804-19824): LRLSAIIKGV[Pro19814=]FPKVTWKKED